The following is an entry in ClinVar:

ClinVar aggregate classification (germline): Uncertain significance. Review status: criteria provided, multiple submitters, no conflicts (2 of 4 stars). 2 submissions from 2 submitters: Uncertain significance (2). Last evaluated 2025-03-09.

Conditions:
Inborn genetic diseases. Identifiers: MedGen C0950123, MeSH D030342.

Allele frequency attached by ClinVar (database versions not stated): gnomAD exomes 0.00001; TOPMed 0.00001; ExAC 0.00004; gnomAD 0.00001.
gnomAD v4.1: 16 of 1,612,832 alleles (0.00099%); highest among the groups gnomAD compares: Non-Finnish European, 0.0014%; no homozygotes.

Submissions (2):

Labcorp Genetics (formerly Invitae), Labcorp
Classification: Uncertain significance. Last evaluated: 2025-03-09. Review status: criteria provided, single submitter. Criteria: Invitae Variant Classification Sherloc (09022015). Collection method: clinical testing. Allele origin: germline.
Comment: This sequence change replaces lysine, which is basic and polar, with arginine, which is basic and polar, at codon 751 of the CDH2 protein (p.Lys751Arg). This variant is present in population databases (rs746246698, gnomAD 0.005%). This variant has not been reported in the literature in individuals affected with CDH2-related conditions. ClinVar contains an entry for this variant (Variation ID: 2446920). An algorithm developed to predict the effect of missense changes on protein structure and function (PolyPhen-2) suggests that this variant is likely to be disruptive. In summary, the available evidence is currently insufficient to determine the role of this variant in disease. Therefore, it has been classified as a Variant of Uncertain Significance.

Ambry Genetics
Classification: Uncertain significance for Inborn genetic diseases. Last evaluated: 2023-02-02. Review status: criteria provided, single submitter. Criteria: Ambry Variant Classification Scheme 2023. Collection method: clinical testing. Allele origin: germline.
Comment: The p.K751R variant (also known as c.2252A>G), located in coding exon 14 of the CDH2 gene, results from an A to G substitution at nucleotide position 2252. The lysine at codon 751 is replaced by arginine, an amino acid with highly similar properties. This amino acid position is conserved. In addition, the in silico prediction for this alteration is inconclusive. Since supporting evidence is limited at this time, the clinical significance of this alteration remains unclear.

NM_001792.5(CDH2):c.2252A>G (p.Lys751Arg)

Gene: CDH2 (cadherin 2; minus strand). Cytogenetic location: 18q12.1.
Variant type: single nucleotide variant.
Coding change: c.2252A>G on transcript NM_001792.5 (MANE Select); coding-DNA position 2252, A replaced by G.
Protein change: p.Lys751Arg; replaces lysine 751 with arginine.
Molecular consequence: missense variant.
Genome position (GRCh38, 1-based): chr18:27,983,041, T>C on the plus strand (A>G on the coding strand, the complement: CDH2 is on the minus strand). VCF-style: chr18-27983041-T-C. GRCh37 (hg19) VCF-style: chr18-25563005-T-C.
Other names: c.2159A>G, p.Lys720Arg (NM_001308176.2); short protein forms K751R, K720R.
Identifiers: ClinVar variation 2446920 (VCV002446920.4), dbSNP rs746246698, ClinGen allele CA8923190.
Genomic context (GRCh38, chr18:27,983,041, plus strand): 5'-AAAATATTATCTCTTACATCATCTTCTGGATCAATTAAAAGTTGTTTGGCCTGGCGTTCT[T>C]TATCCCGGCGTTTCATCCATACCACAAACATCAGCACAAGGACTAGGTAGAAAAATAGTA-3'
Protein context (NP_001783.2, residues 741-761): MFVVWMKRRD[Lys751Arg]ERQAKQLLID